The following is an entry in ClinVar:

NM_001614.5(ACTG1):c.1004G>T (p.Arg335Leu)

Gene: ACTG1 (actin gamma 1; minus strand). Cytogenetic location: 17q25.3.
Variant type: single nucleotide variant.
Coding change: c.1004G>T on transcript NM_001614.5 (MANE Select); coding-DNA position 1004, G replaced by T.
Protein change: p.Arg335Leu; replaces arginine 335 with leucine.
Molecular consequence: missense variant. On other transcripts: non-coding transcript variant (1).
Genome position (GRCh38, 1-based): chr17:81,510,814, C>A on the plus strand (G>T on the coding strand, the complement: ACTG1 is on the minus strand). VCF-style: chr17-81510814-C-A. GRCh37 (hg19) VCF-style: chr17-79477840-C-A.
Other names: c.1004G>T, p.Arg335Leu (NM_001199954.3); short protein forms R335L.
Identifiers: ClinVar variation 3906505 (VCV003906505.2).

ClinVar aggregate classification (germline): Pathogenic (1 of 4 stars; one submission).

Submission:

GeneDx
Classification: Pathogenic. Last evaluated: 2026-01-08. Review status: criteria provided, single submitter. Criteria: GeneDx Variant Classification Process June 2021. Collection method: clinical testing. Allele origin: germline.
Comment: Not observed at significant frequency in large population cohorts (gnomAD); Missense variants in this gene are a common cause of disease and they are underrepresented in the general population; In silico analysis supports that this missense variant has a deleterious effect on protein structure/function; Has not been previously published as pathogenic or benign to our knowledge